The following is an entry in ClinVar:

NM_000308.4(CTSA):c.*51C>G

Gene: CTSA (cathepsin A; plus strand). Cytogenetic location: 20q13.12.
Variant type: single nucleotide variant.
Coding change: c.*51C>G on transcript NM_000308.4 (MANE Select); 51 bases downstream of the stop codon, C replaced by G.
Molecular consequence: 3 prime UTR variant. On other transcripts: non-coding transcript variant (1).
Genome position (GRCh38, 1-based): chr20:45,898,501, C>G. VCF-style: chr20-45898501-C-G. GRCh37 (hg19) VCF-style: chr20-44527140-C-G.
Other names: c.*51C>G (NM_001127695.3, NM_001167594.3).
Identifiers: ClinVar variation 897620 (VCV000897620.6), dbSNP rs375835315, ClinGen allele CA9883426.

ClinVar aggregate classification (germline): Likely benign. Review status: criteria provided, multiple submitters, no conflicts (2 of 4 stars). 2 submissions from 2 submitters: Likely benign (2). Last evaluated 2018-01-13.

Conditions:
Combined deficiency of sialidase AND beta galactosidase (GSL). Also called: CATHEPSIN A DEFICIENCY; GOLDBERG SYNDROME; NEURAMINIDASE DEFICIENCY WITH BETA-GALACTOSIDASE DEFICIENCY; NEURAMINIDASE/BETA-GALACTOSIDASE EXPRESSION; PPCA DEFICIENCY; PROTECTIVE PROTEIN/CATHEPSIN A DEFICIENCY. Identifiers: Orphanet 351, MedGen C0268233, MONDO:0009737, OMIM 256540.

Allele frequency attached by ClinVar (database versions not stated): 1000 Genomes Project 30x 0.00078; 1000 Genomes Project 0.00080; ESP Exome Variant Server 0.00346; TOPMed 0.00373; gnomAD exomes 0.00386 and 0.00546; ExAC 0.00404; gnomAD 0.00419 and 0.00438.

Submissions (2):

Illumina Laboratory Services, Illumina
Classification: Likely benign for Combined deficiency of sialidase AND beta galactosidase. Last evaluated: 2018-01-13. Review status: criteria provided, single submitter. Criteria: ICSL Variant Classification Criteria 13 December 2019. Collection method: clinical testing. Allele origin: germline.
Comment: This variant was observed in the ICSL laboratory as part of a predisposition screen in an ostensibly healthy population. It had not been previously curated by ICSL or reported in the Human Gene Mutation Database (HGMD: prior to June 1st, 2018), and was therefore a candidate for classification through an automated scoring system. Utilizing variant allele frequency, disease prevalence and penetrance estimates, and inheritance mode, an automated score was calculated to assess if this variant is too frequent to cause the disease. Based on the score and internal cut-off values, a variant classified as likely benign is not then subjected to further curation. The score for this variant resulted in a classification of likely benign for this disease.

Breakthrough Genomics
Classification: Likely benign. Review status: criteria provided, single submitter. Criteria: ACMG Guidelines, 2015. Collection method: not provided. Allele origin: germline. Inheritance: Autosomal recessive inheritance. Affected: yes.